The following is an entry in ClinVar:

NM_001369.3(DNAH5):c.6430C>T (p.Gln2144Ter)

Gene: DNAH5 (dynein axonemal heavy chain 5; minus strand). Cytogenetic location: 5p15.2.
Variant type: single nucleotide variant.
Coding change: c.6430C>T on transcript NM_001369.3 (MANE Select); coding-DNA position 6430, C replaced by T.
Protein change: p.Gln2144Ter; replaces glutamine 2144 with a stop codon.
Molecular consequence: nonsense.
Genome position (GRCh38, 1-based): chr5:13,829,524, G>A on the plus strand (C>T on the coding strand, the complement: DNAH5 is on the minus strand). VCF-style: chr5-13829524-G-A. GRCh37 (hg19) VCF-style: chr5-13829633-G-A.
Other names: short protein forms Q2144*.
Identifiers: ClinVar variation 2855884 (VCV002855884.3), dbSNP rs748882657, ClinGen allele CA3203409.

ClinVar aggregate classification (germline): Pathogenic (1 of 4 stars; one submission).

Conditions:
Primary ciliary dyskinesia. Also called: Ciliary dyskinesia. Identifiers: Orphanet 244, MedGen C0008780, MONDO:0016575, HP:0012265.

Allele frequency attached by ClinVar (database versions not stated): ExAC 0.00001.
gnomAD v4.1: 1 of 1,614,134 alleles (0.000062%); highest among the groups gnomAD compares: Non-Finnish European, 0.000085%; no homozygotes.

Submission:

Labcorp Genetics (formerly Invitae), Labcorp
Classification: Pathogenic for Primary ciliary dyskinesia. Last evaluated: 2023-04-08. Review status: criteria provided, single submitter. Criteria: Invitae Variant Classification Sherloc (09022015). Collection method: clinical testing. Allele origin: germline.
Comment: For these reasons, this variant has been classified as Pathogenic. This variant has not been reported in the literature in individuals affected with DNAH5-related conditions. The frequency data for this variant in the population databases is considered unreliable, as metrics indicate poor data quality at this position in the gnomAD database. This sequence change creates a premature translational stop signal (p.Gln2144*) in the DNAH5 gene. It is expected to result in an absent or disrupted protein product. Loss-of-function variants in DNAH5 are known to be pathogenic (PMID: 11788826, 16627867).

Literature cited by the submitters: PubMed 11788826; PubMed 16627867.